The following is an entry in ClinVar:

NM_174936.4(PCSK9):c.140C>A (p.Ser47Tyr)

Gene: PCSK9 (proprotein convertase subtilisin/kexin type 9; plus strand). Cytogenetic location: 1p32.3.
Variant type: single nucleotide variant.
Coding change: c.140C>A on transcript NM_174936.4 (MANE Select); coding-DNA position 140, C replaced by A.
Protein change: p.Ser47Tyr; replaces serine 47 with tyrosine.
Molecular consequence: missense variant. On other transcripts: 5 prime UTR variant (1), non-coding transcript variant (8).
Genome position (GRCh38, 1-based): chr1:55,039,977, C>A. VCF-style: chr1-55039977-C-A. GRCh37 (hg19) VCF-style: chr1-55505650-C-A.
Other names: c.-595C>A (NM_001407246.1); c.140C>A, p.Ser47Tyr (NM_001407247.1, NM_001407240.1, NM_001407241.1 and 4 more transcripts); short protein forms S47Y.
Identifiers: ClinVar variation 3387420 (VCV003387420.1).

ClinVar aggregate classification (germline): Uncertain significance (1 of 4 stars; one submission).

Conditions:
Hypercholesterolemia, autosomal dominant, 3 (FHCL3). Also called: Familial Hypercholesterolemia, Autosomal Dominant, 3; PCSK9-Related Familial Hypercholesterolemia, Autosomal Dominant; Familial hypercholesterolemia 3. Identifiers: MedGen C1863551, MONDO:0011369, OMIM 603776.

Submission:

All of Us Research Program, National Institutes of Health
Classification: Uncertain significance for Hypercholesterolemia, autosomal dominant, 3. Last evaluated: 2024-04-16. Review status: criteria provided, single submitter. Criteria: ACMG Guidelines, 2015. Collection method: clinical testing. Allele origin: germline. Inheritance: Autosomal dominant inheritance. Observed: 1 variant allele, 1 heterozygote.
Comment: This missense variant replaces serine with tyrosine at codon 47 of the PCSK9 protein. Computational prediction suggests that this variant may not impact protein structure and function (internally defined REVEL score threshold <= 0.5, PMID: 27666373). To our knowledge, functional studies have not been reported for this variant. This variant has not been reported in individuals affected with PCSK9-related disorders in the literature. This variant has not been identified in the general population by the Genome Aggregation Database (gnomAD). The available evidence is insufficient to determine the role of this variant in disease conclusively. Therefore, this variant is classified as a Variant of Uncertain Significance.

This study involves interpretation of variants in research participants for the purpose of population health screening. Participant phenotype was not available at the time of variant classification. Additional details can be found in publication PMID: 35346344, PMCID: PMC8962531